The following is an entry in ClinVar:

ClinVar aggregate classification (germline): Conflicting classifications of pathogenicity. Review status: criteria provided, conflicting classifications (1 of 4 stars). 2 submissions from 2 submitters: Uncertain significance (1); Likely benign (1). Last evaluated 2025-02-16.

Allele frequency attached by ClinVar (database versions not stated): ExAC 0.00002; gnomAD exomes 0.00002; TOPMed 0.00002; gnomAD 0.00003.
gnomAD v4.1: 39 of 1,614,092 alleles (0.0024%); highest among the groups gnomAD compares: Non-Finnish European, 0.0025%; no homozygotes.

Submissions (2):

Laboratory of Genetics, Children's Clinical University Hospital Latvia
Classification: Likely benign. Last evaluated: 2025-02-16. Review status: criteria provided, single submitter. Criteria: ACMG Guidelines, 2015. Collection method: clinical testing. Allele origin: germline. Affected: yes.

Labcorp Genetics (formerly Invitae), Labcorp
Classification: Uncertain significance. Last evaluated: 2024-10-16. Review status: criteria provided, single submitter. Criteria: Invitae Variant Classification Sherloc (09022015). Collection method: clinical testing. Allele origin: germline.
Comment: This sequence change replaces glycine, which is neutral and non-polar, with serine, which is neutral and polar, at codon 222 of the SPECC1L protein (p.Gly222Ser). This variant is present in population databases (rs757691235, gnomAD 0.02%). This variant has not been reported in the literature in individuals affected with SPECC1L-related conditions. Invitae Evidence Modeling of protein sequence and biophysical properties (such as structural, functional, and spatial information, amino acid conservation, physicochemical variation, residue mobility, and thermodynamic stability) indicates that this missense variant is not expected to disrupt SPECC1L protein function with a negative predictive value of 80%. In summary, the available evidence is currently insufficient to determine the role of this variant in disease. Therefore, it has been classified as a Variant of Uncertain Significance.

NM_015330.6(SPECC1L):c.664G>A (p.Gly222Ser)

Genes: SPECC1L (sperm antigen with calponin homology and coiled-coil domains 1 like; plus strand), SPECC1L-ADORA2A (SPECC1L-ADORA2A readthrough (NMD candidate); plus strand). Cytogenetic location: 22q11.23.
Variant type: single nucleotide variant.
Coding change: c.664G>A on transcript NM_015330.6 (MANE Select); coding-DNA position 664, G replaced by A.
Protein change: p.Gly222Ser; replaces glycine 222 with serine.
Molecular consequence: missense variant. On other transcripts: non-coding transcript variant (1).
Genome position (GRCh38, 1-based): chr22:24,321,644, G>A. VCF-style: chr22-24321644-G-A. GRCh37 (hg19) VCF-style: chr22-24717612-G-A.
Other names: c.664G>A, p.Gly222Ser (NM_001145468.4, NM_001254732.3); short protein forms G222S.
Identifiers: ClinVar variation 3023925 (VCV003023925.4), dbSNP rs757691235, ClinGen allele CA10151998.